The following is an entry in ClinVar:

ClinVar aggregate classification (germline): Likely benign (1 of 4 stars; one submission).

Allele frequency attached by ClinVar (database versions not stated): ExAC 0.00001; gnomAD 0.00001; gnomAD exomes 0.00002.
gnomAD v4.1: 32 of 1,613,910 alleles (0.002%); highest among the groups gnomAD compares: Non-Finnish European, 0.0026%; no homozygotes.

Submission:

CeGaT Center for Human Genetics Tuebingen
Classification: Likely benign. Last evaluated: 2023-05-01. Review status: criteria provided, single submitter. Criteria: CeGaT Center For Human Genetics Tuebingen Variant Classification Criteria Version 2. Collection method: clinical testing. Allele origin: germline. Affected: yes. Observed: 1 variant allele.
Comment: ZNF462: BP4, BP7

NM_021224.6(ZNF462):c.1608C>T (p.Pro536=)

Gene: ZNF462 (zinc finger protein 462; plus strand). Cytogenetic location: 9q31.2.
Variant type: single nucleotide variant.
Coding change: c.1608C>T on transcript NM_021224.6 (MANE Select); coding-DNA position 1608, C replaced by T.
Protein change: p.Pro536=; no amino-acid change (proline 536 retained).
Molecular consequence: synonymous variant.
Genome position (GRCh38, 1-based): chr9:106,925,520, C>T. VCF-style: chr9-106925520-C-T. GRCh37 (hg19) VCF-style: chr9-109687801-C-T.
Other names: c.1608C>T, p.Pro536= (NM_001347997.2).
Identifiers: ClinVar variation 2659368 (VCV002659368.24), dbSNP rs780767515, ClinGen allele CA5171355.
Genomic context (GRCh38, chr9:106,925,520, plus strand): 5'-TGTGGTGTCTTATGAGAGCTCAAGCATCAATGGTAGAAAGTCAGGAGTCATGTTGGATCC[C>T]TTGCAGCAGCAACAGCCACCGCAGCCACCACCACCGCCGCCGCCACCACCACCATCACAG-3'
Protein context (NP_067047.4, residues 526-546): NGRKSGVMLD[Pro536=]LQQQQPPQPP